The following is an entry in ClinVar:

ClinVar aggregate classification (germline): Uncertain significance (1 of 4 stars; one submission).

Submission:

Labcorp Genetics (formerly Invitae), Labcorp
Classification: Uncertain significance. Last evaluated: 2021-10-20. Review status: criteria provided, single submitter. Criteria: Invitae Variant Classification Sherloc (09022015). Collection method: clinical testing. Allele origin: germline.
Comment: This sequence change replaces aspartic acid with histidine at codon 205 of the CCDC88A protein (p.Asp205His). The aspartic acid residue is highly conserved and there is a moderate physicochemical difference between aspartic acid and histidine. This variant is not present in population databases (ExAC no frequency). This variant has not been reported in the literature in individuals affected with CCDC88A-related conditions. Algorithms developed to predict the effect of missense changes on protein structure and function are either unavailable or do not agree on the potential impact of this missense change (SIFT: "Deleterious"; PolyPhen-2: "Probably Damaging"; Align-GVGD: "Class C0"). In summary, the available evidence is currently insufficient to determine the role of this variant in disease. Therefore, it has been classified as a Variant of Uncertain Significance.

NM_001365480.1(CCDC88A):c.613G>C (p.Asp205His)

Gene: CCDC88A (coiled-coil and HOOK domain protein 88A; minus strand). Cytogenetic location: 2p16.1.
Variant type: single nucleotide variant.
Coding change: c.613G>C on transcript NM_001365480.1 (MANE Select); coding-DNA position 613, G replaced by C.
Protein change: p.Asp205His; replaces aspartic acid 205 with histidine.
Molecular consequence: missense variant.
Genome position (GRCh38, 1-based): chr2:55,362,322, C>G on the plus strand (G>C on the coding strand, the complement: CCDC88A is on the minus strand). VCF-style: chr2-55362322-C-G. GRCh37 (hg19) VCF-style: chr2-55589458-C-G.
Other names: c.613G>C, p.Asp205His (NM_018084.5, NM_001135597.2, NM_001254943.2); short protein forms D205H.
Identifiers: ClinVar variation 1473040 (VCV001473040.6), dbSNP rs2104785958, ClinGen allele CA346910223.